The following is an entry in ClinVar:

ClinVar aggregate classification (germline): Pathogenic (1 of 4 stars; one submission).

Allele frequency attached by ClinVar (database versions not stated): gnomAD 0.00003 and 0.00009; TOPMed 0.00003; gnomAD exomes 0.00016 and 0.00038; 1000 Genomes Project 0.00020; 1000 Genomes Project 30x 0.00031; ExAC 0.00052.
gnomAD v4.1: 238 of 1,551,718 alleles (0.015%); highest among the groups gnomAD compares: South Asian, 0.21%; 4 homozygotes.

Submission:

Labcorp Genetics (formerly Invitae), Labcorp
Classification: Pathogenic. Last evaluated: 2022-07-28. Review status: criteria provided, single submitter. Criteria: Invitae Variant Classification Sherloc (09022015). Collection method: clinical testing. Allele origin: germline.
Comment: For these reasons, this variant has been classified as Pathogenic. ClinVar contains an entry for this variant (Variation ID: 1505775). This variant has not been reported in the literature in individuals affected with DNHD1-related conditions. This variant is present in population databases (rs544185938, gnomAD 0.2%). This sequence change creates a premature translational stop signal (p.Arg3542*) in the DNHD1 gene. It is expected to result in an absent or disrupted protein product. Loss-of-function variants in DNHD1 are known to be pathogenic (PMID: 34932939).

Literature cited by the submitters: PubMed 34932939.

NM_144666.3(DNHD1):c.10624C>T (p.Arg3542Ter)

Gene: DNHD1 (dynein heavy chain domain 1; plus strand). Cytogenetic location: 11p15.4.
Variant type: single nucleotide variant.
Coding change: c.10624C>T on transcript NM_144666.3 (MANE Select); coding-DNA position 10624, C replaced by T.
Protein change: p.Arg3542Ter; replaces arginine 3542 with a stop codon.
Molecular consequence: nonsense.
Genome position (GRCh38, 1-based): chr11:6,564,672, C>T. VCF-style: chr11-6564672-C-T. GRCh37 (hg19) VCF-style: chr11-6585902-C-T.
Other names: short protein forms R3542*.
Identifiers: ClinVar variation 1505775 (VCV001505775.6), dbSNP rs544185938, ClinGen allele CA5856515.